The following is an entry in ClinVar:

NM_133433.4(NIPBL):c.1745A>G (p.Gln582Arg)

Gene: NIPBL (NIPBL cohesin loading factor; plus strand). Cytogenetic location: 5p13.2.
Variant type: single nucleotide variant.
Coding change: c.1745A>G on transcript NM_133433.4 (MANE Select); coding-DNA position 1745, A replaced by G.
Protein change: p.Gln582Arg; replaces glutamine 582 with arginine.
Molecular consequence: missense variant.
Genome position (GRCh38, 1-based): chr5:36,984,925, A>G. VCF-style: chr5-36984925-A-G. GRCh37 (hg19) VCF-style: chr5-36985027-A-G.
Other names: c.1745A>G, p.Gln582Arg (NM_015384.5); short protein forms Q582R.
Identifiers: ClinVar variation 2881491 (VCV002881491.9), dbSNP rs763163376, ClinGen allele CA3236081.

ClinVar aggregate classification (germline): Uncertain significance. Review status: criteria provided, multiple submitters, no conflicts (2 of 4 stars). 2 submissions from 2 submitters: Uncertain significance (2). Last evaluated 2025-10-01.

Conditions:
Cornelia de Lange syndrome 1 (CDLS1). Also called: Brachmann de Lange syndrome; NIPBL-Related Cornelia de Lange Syndrome; TYPUS DEGENERATIVUS AMSTELODAMENSIS. Identifiers: Orphanet 199, MedGen C4551851, MONDO:0007387, OMIM 122470.

Allele frequency attached by ClinVar (database versions not stated): gnomAD exomes 0.00001; TOPMed below 0.00001; ExAC 0.00001.
gnomAD v4.1: 13 of 1,613,690 alleles (0.00081%); highest among the groups gnomAD compares: Non-Finnish European, 0.0011%; no homozygotes.

Submissions (2):

CeGaT Center for Human Genetics Tuebingen
Classification: Uncertain significance. Last evaluated: 2025-10-01. Review status: criteria provided, single submitter. Criteria: CeGaT Center For Human Genetics Tuebingen Variant Classification Criteria Version 2. Collection method: clinical testing. Allele origin: germline. Affected: yes. Observed: 1 variant allele.

Labcorp Genetics (formerly Invitae), Labcorp
Classification: Uncertain significance for Cornelia de Lange syndrome 1. Last evaluated: 2025-07-25. Review status: criteria provided, single submitter. Criteria: Invitae Variant Classification Sherloc (09022015). Collection method: clinical testing. Allele origin: germline.
Comment: This sequence change replaces glutamine, which is neutral and polar, with arginine, which is basic and polar, at codon 582 of the NIPBL protein (p.Gln582Arg). This variant is present in population databases (rs763163376, gnomAD 0.0009%). This variant has not been reported in the literature in individuals affected with NIPBL-related conditions. ClinVar contains an entry for this variant (Variation ID: 2881491). Invitae Evidence Modeling of protein sequence and biophysical properties (such as structural, functional, and spatial information, amino acid conservation, physicochemical variation, residue mobility, and thermodynamic stability) has been performed for this missense variant. However, the output from this modeling did not meet the statistical confidence thresholds required to predict the impact of this variant on NIPBL protein function. In summary, the available evidence is currently insufficient to determine the role of this variant in disease. Therefore, it has been classified as a Variant of Uncertain Significance.